The following is an entry in ClinVar:

ClinVar aggregate classification (germline): Uncertain significance (1 of 4 stars; one submission).

Submission:

CeGaT Center for Human Genetics Tuebingen
Classification: Uncertain significance. Last evaluated: 2024-11-01. Review status: criteria provided, single submitter. Criteria: CeGaT Center For Human Genetics Tuebingen Variant Classification Criteria Version 2. Collection method: clinical testing. Allele origin: germline. Affected: yes. Observed: 1 variant allele.
Comment: CHRNA4: PM2

NM_000744.7(CHRNA4):c.1720A>C (p.Ile574Leu)

Gene: CHRNA4 (cholinergic receptor nicotinic alpha 4 subunit; minus strand). Cytogenetic location: 20q13.33.
Variant type: single nucleotide variant.
Coding change: c.1720A>C on transcript NM_000744.7 (MANE Select); coding-DNA position 1720, A replaced by C.
Protein change: p.Ile574Leu; replaces isoleucine 574 with leucine.
Molecular consequence: missense variant. On other transcripts: non-coding transcript variant (1).
Genome position (GRCh38, 1-based): chr20:63,349,691, T>G on the plus strand (A>C on the coding strand, the complement: CHRNA4 is on the minus strand). VCF-style: chr20-63349691-T-G. GRCh37 (hg19) VCF-style: chr20-61981043-T-G.
Other names: c.1192A>C, p.Ile398Leu (NM_001256573.2); short protein forms I398L, I574L.
Identifiers: ClinVar variation 3390158 (VCV003390158.14).